The following is an entry in ClinVar:

NM_000214.3(JAG1):c.81+1G>A

Gene: JAG1 (jagged canonical Notch ligand 1; minus strand). Cytogenetic location: 20p12.2.
Variant type: single nucleotide variant.
Coding change: c.81+1G>A on transcript NM_000214.3 (MANE Select); the canonical splice donor site of the intron after coding-DNA position 81, G replaced by A.
Molecular consequence: splice donor variant.
Genome position (GRCh38, 1-based): chr20:10,673,449, C>T on the plus strand (G>A on the coding strand, the complement: JAG1 is on the minus strand). VCF-style: chr20-10673449-C-T. GRCh37 (hg19) VCF-style: chr20-10654097-C-T.
Identifiers: ClinVar variation 234532 (VCV000234532.2), dbSNP rs876661066, ClinGen allele CA10577627.

ClinVar aggregate classification (germline): Pathogenic (1 of 4 stars; one submission).

Submission:

GeneDx
Classification: Pathogenic. Last evaluated: 2015-09-11. Review status: criteria provided, single submitter. Criteria: GeneDx Variant Classification (06012015). Collection method: clinical testing. Allele origin: germline. Affected: yes.
Comment: The c.81+1 G>A splice site mutation in the JAG1 gene has been previously reported in association with Alagille syndrome (Warthen et al., 2006). This mutation destroys the canonical splice donor site in intron 1, and is expected to cause abnormal gene splicing. In addition, c.81+1 G>A was not observed in approximately 5,100 individuals of European and African American ancestry in the NHLBI Exome Sequencing Project, indicating it is not a common benign variant in these populations.